The following is an entry in ClinVar:

ClinVar aggregate classification (germline): Likely benign (0 of 4 stars; one submission).

Conditions:
TRIP13-related disorder. Also called: TRIP13-related condition.

Allele frequency attached by ClinVar (database versions not stated): gnomAD exomes below 0.00001; TOPMed 0.00001; ExAC 0.00002; gnomAD 0.00004.
gnomAD v4.1: 8 of 1,614,014 alleles (0.0005%); highest among the groups gnomAD compares: African/African-American, 0.008%; no homozygotes.

Submission:

PreventionGenetics, part of Exact Sciences
Classification: Likely benign for TRIP13-related condition. Last evaluated: 2022-03-23. Review status: no assertion criteria provided. Collection method: clinical testing. Allele origin: germline.
Comment: This variant is classified as likely benign based on ACMG/AMP sequence variant interpretation guidelines (Richards et al. 2015 PMID: 25741868, with internal and published modifications).

NM_004237.4(TRIP13):c.1257C>T (p.Asp419=)

Gene: TRIP13 (thyroid hormone receptor interactor 13; plus strand). Cytogenetic location: 5p15.33.
Variant type: single nucleotide variant.
Coding change: c.1257C>T on transcript NM_004237.4 (MANE Select); coding-DNA position 1257, C replaced by T.
Protein change: p.Asp419=; no amino-acid change (aspartic acid 419 retained).
Molecular consequence: synonymous variant.
Genome position (GRCh38, 1-based): chr5:917,061, C>T. VCF-style: chr5-917061-C-T. GRCh37 (hg19) VCF-style: chr5-917176-C-T.
Identifiers: ClinVar variation 3054360 (VCV003054360.2), dbSNP rs774804423, ClinGen allele CA3180142.